The following is an entry in ClinVar:

NM_015102.5(NPHP4):c.2314C>T (p.Arg772Cys)

Gene: NPHP4 (nephrocystin 4; minus strand). Cytogenetic location: 1p36.31.
Variant type: single nucleotide variant.
Coding change: c.2314C>T on transcript NM_015102.5 (MANE Select); coding-DNA position 2314, C replaced by T.
Protein change: p.Arg772Cys; replaces arginine 772 with cysteine.
Molecular consequence: missense variant. On other transcripts: non-coding transcript variant (1).
Genome position (GRCh38, 1-based): chr1:5,887,457, G>A on the plus strand (C>T on the coding strand, the complement: NPHP4 is on the minus strand). VCF-style: chr1-5887457-G-A. GRCh37 (hg19) VCF-style: chr1-5947517-G-A.
Other names: c.775C>T, p.Arg259Cys (NM_001291593.2); c.778C>T, p.Arg260Cys (NM_001291594.2); c.2314C>T (NM_015102.4); short protein forms R259C, R260C, R772C.
Identifiers: ClinVar variation 999686 (VCV000999686.9), dbSNP rs149928611, ClinGen allele CA554156.
Genomic context (GRCh38, chr1:5,887,457, plus strand): 5'-CGTATTCAGTTGCCACGACCTCAAGCTCGTGGGAGGCCTGCACAGCCGGCCGGCCTTGGC[G>A]GAGGAGATGCTGCAGAAGAGAAAAGCGCGTTCAGAGGCTGGAGCCGGCCCTGGGCTGCTT-3'
Protein context (NP_055917.1, residues 762-782): SAAVQMKHLL[Arg772Cys]QGRPAVQASH

ClinVar aggregate classification (germline): Uncertain significance. Review status: criteria provided, multiple submitters, no conflicts (2 of 4 stars). 4 submissions from 4 submitters: Uncertain significance (4). Last evaluated 2025-09-04.

Conditions:
NPHP4-related disorder. Also called: NPHP4-related disorders; NPHP4-related condition. Identifiers: MedGen CN239384.
Nephronophthisis. Also called: Juvenile Nephronophthisis. Identifiers: Orphanet 655, MedGen C0687120, MONDO:0019005, HP:0000090.
Senior-Loken syndrome 4 (SLSN4). Identifiers: Orphanet 3156, MedGen C1846979, MONDO:0011756, OMIM 606996.
Nephronophthisis 4 (NPHP4). Also called: NEPHRONOPHTHISIS 4, JUVENILE. Identifiers: Orphanet 655, MedGen C1847013, MONDO:0011752, OMIM 606966.

Allele frequency attached by ClinVar (database versions not stated): gnomAD 0.00001 and 0.00003; ExAC 0.00002; gnomAD exomes 0.00002 and 0.00003; TOPMed 0.00002; 1000 Genomes Project 30x 0.00016; 1000 Genomes Project 0.00020.
gnomAD v4.1: 45 of 1,613,114 alleles (0.0028%); highest among the groups gnomAD compares: East Asian, 0.011%; no homozygotes.

Submissions (4):

PreventionGenetics, part of Exact Sciences
Classification: Uncertain significance for NPHP4-related condition. Last evaluated: 2025-09-04. Review status: criteria provided, single submitter. Criteria: ACMG Guidelines, 2015. Collection method: clinical testing. Allele origin: germline.
Comment: The NPHP4 c.2314C>T variant is predicted to result in the amino acid substitution p.Arg772Cys. This variant was reported, along with the p.Glu1013Lys variant, in the homozygous state in an individual with focal segmental glomerulosclerosis (Mistry et al. 2007. PubMed ID: 17954299). This variant was also described in a large cohort of individuals with nephronophthisis, although no additional clinical or genetic information was provided (supplementary data, König et al. 2022. PubMed ID: 36090483). This variant is reported in 0.0058% of alleles in individuals of Latino descent in gnomAD. At this time, the clinical significance of this variant is uncertain due to the absence of conclusive functional and genetic evidence.

Labcorp Genetics (formerly Invitae), Labcorp
Classification: Uncertain significance for Nephronophthisis. Last evaluated: 2024-10-26. Review status: criteria provided, single submitter. Criteria: Invitae Variant Classification Sherloc (09022015). Collection method: clinical testing. Allele origin: germline.
Comment: This sequence change replaces arginine, which is basic and polar, with cysteine, which is neutral and slightly polar, at codon 772 of the NPHP4 protein (p.Arg772Cys). This variant is present in population databases (rs149928611, gnomAD 0.006%). This missense change has been observed in individual(s) with clinical features of NPHP4-related conditions (PMID: 17954299). ClinVar contains an entry for this variant (Variation ID: 999686). Invitae Evidence Modeling of protein sequence and biophysical properties (such as structural, functional, and spatial information, amino acid conservation, physicochemical variation, residue mobility, and thermodynamic stability) indicates that this missense variant is expected to disrupt NPHP4 protein function with a positive predictive value of 80%. In summary, the available evidence is currently insufficient to determine the role of this variant in disease. Therefore, it has been classified as a Variant of Uncertain Significance.

Blueprint Genetics
Classification: Uncertain significance. Last evaluated: 2023-11-09. Review status: criteria provided, single submitter. Criteria: ACMG Guidelines, 2015. Collection method: clinical testing. Allele origin: germline.

Fulgent Genetics
Classification: Uncertain significance for Nephronophthisis 4; Senior-Loken syndrome 4. Last evaluated: 2022-04-22. Review status: criteria provided, single submitter. Criteria: ACMG Guidelines, 2015. Collection method: clinical testing. Allele origin: unknown.

Literature cited by the submitters: PubMed 17954299 (cited by Labcorp Genetics (formerly Invitae), Labcorp).